The following is an entry in ClinVar:

ClinVar aggregate classification (germline): Likely benign. Review status: criteria provided, multiple submitters, no conflicts (2 of 4 stars). 2 submissions from 2 submitters: Likely benign (2). Last evaluated 2024-10-02.

Conditions:
Familial cancer of breast. Also called: BREAST CANCER, FAMILIAL; Hereditary breast cancer; hereditary breast carcinoma. Identifiers: Orphanet 227535, MedGen C0346153, MONDO:0016419, OMIM 114480. Disease mechanism: loss of function.

Allele frequency attached by ClinVar (database versions not stated): gnomAD exomes below 0.00001; TOPMed below 0.00001; gnomAD 0.00001.

Submissions (2):

Myriad Genetics, Inc.
Classification: Likely benign for Familial cancer of breast. Last evaluated: 2024-10-02. Review status: criteria provided, single submitter. Criteria: Myriad Autosomal Dominant, Autosomal Recessive and X-Linked Classification Criteria (2023). Collection method: clinical testing. Allele origin: unknown.
Comment: This variant is considered likely benign. This variant is intronic and is not expected to impact mRNA splicing.

Labcorp Genetics (formerly Invitae), Labcorp
Classification: Likely benign for Familial cancer of breast. Last evaluated: 2024-09-18. Review status: criteria provided, single submitter. Criteria: Invitae Variant Classification Sherloc (09022015). Collection method: clinical testing. Allele origin: germline.

NM_007194.4(CHEK2):c.445-11dup

Gene: CHEK2 (checkpoint kinase 2; minus strand). Cytogenetic location: 22q12.1.
Variant type: Duplication.
Coding change: c.445-11dup on transcript NM_007194.4 (MANE Select); 11 bases into the intron before coding-DNA position 445, one base duplicated (C; older notation c.445-11dupC).
Molecular consequence: intron variant.
Genome position (GRCh38, 1-based): chr22:28,725,135, G duplicated on the plus strand (C on the coding strand, the reverse complement: CHEK2 is on the minus strand). VCF-style (leftmost placement, unchanged base first): chr22-28725134-A-AG. GRCh37 (hg19) VCF-style: chr22-29121122-A-AG.
Other names: c.-219-11dup (NM_001437942.1); c.444+108dup (NM_001349956.3); c.445-11dup (NM_145862.3); c.-333-11dup (NM_001257387.3); c.538-11dup (NM_001438295.1, NM_001438293.1); c.574-11dup (NM_001438294.1, NM_001005735.3).
Identifiers: ClinVar variation 1965541 (VCV001965541.6), dbSNP rs1172398336, ClinGen allele CA752192621.
Genomic context (GRCh38, chr22:28,725,134, plus strand): 5'-GCCACTGTGATCTTCTATGTATGCAATGTAAGAGTTTTTAGGACCCACTTCCTAAAATAG[A>AG]GAACATTTTGTTTCAGACTTTGAATAGCAGAGATTTATAGTGGGAAAATATCTAAAAACA-3'